The following is an entry in ClinVar:

ClinVar aggregate classification (germline): Uncertain significance (1 of 4 stars; one submission).

Conditions:
Galactosylceramide beta-galactosidase deficiency. Also called: GALC DEFICIENCY; GLOBOID CELL LEUKOENCEPHALOPATHY; GALACTOCEREBROSIDASE DEFICIENCY; Leukodystrophy, Globoid Cell; Krabbe Disease. Identifiers: Orphanet 487, MedGen C0023521, MONDO:0009499, OMIM 245200.

gnomAD v4.1: 13 of 151,628 alleles (0.0086%); highest among the groups gnomAD compares: East Asian, 0.058%; no homozygotes.

Submission:

Dasa
Classification: Uncertain significance for Krabbe disease. Last evaluated: 2025-10-30. Review status: criteria provided, single submitter. Criteria: DASA Assertion Criteria. Collection method: clinical testing. Allele origin: germline.
Comment: NM_000153.4(GALC):c.1162-212C>T is an intronic variant. This variant is rare in population databases. The currently available literature and clinical evidence are not sufficient to establish a definitive association between this variant and the reported condition. Therefore, this variant is classified as a variant of uncertain significance.

NM_000153.4(GALC):c.1162-212C>T

Gene: GALC (galactosylceramidase; minus strand). Cytogenetic location: 14q31.3.
Variant type: single nucleotide variant.
Coding change: c.1162-212C>T on transcript NM_000153.4 (MANE Select); 212 bases into the intron before coding-DNA position 1162, C replaced by T.
Molecular consequence: intron variant.
Genome position (GRCh38, 1-based): chr14:87,950,960, G>A on the plus strand (C>T on the coding strand, the complement: GALC is on the minus strand). VCF-style: chr14-87950960-G-A. GRCh37 (hg19) VCF-style: chr14-88417304-G-A.
Other names: c.529-212C>T (NM_001424076.1, NM_001424077.1); c.1084-212C>T (NM_001201402.2); c.1093-212C>T (NM_001201401.2); c.814-212C>T (NM_001424075.1, NM_001424074.1); c.994-212C>T (NM_001424072.1, NM_001424073.1, NM_001424071.1).
Identifiers: ClinVar variation 4883039 (VCV004883039.2).
Genomic context (GRCh38, chr14:87,950,960, plus strand): 5'-CAATATAATATTTACTGAATGTGTATTGTATGTTCCTAGTCAAATACAAAGGTCAATGGC[G>A]TTTCAACTGGATCAAATTTTGAATTCGTAGCTAAACTGTAGAGACATATATGGCATACAG-3'